The following is an entry in ClinVar:

ClinVar aggregate classification (germline): Uncertain significance (1 of 4 stars; one submission).

Conditions:
Cardiomyopathy (CMYO). Also called: Cardiomyopathies. Identifiers: Orphanet 167848, MedGen C0878544, MONDO:0004994, HP:0001638. Inheritance: Various modes of inheritance.

Submission:

Color Diagnostics, LLC DBA Color Health
Classification: Uncertain significance for Cardiomyopathy. Last evaluated: 2020-04-06. Review status: criteria provided, single submitter. Criteria: ACMG Guidelines, 2015. Collection method: clinical testing. Allele origin: germline.
Comment: This missense variant replaces aspartic acid with glutamic acid at codon 1761 of the MYH7 protein. Computational prediction is inconclusive regarding the impact of this variant on protein structure and function (internally defined REVEL score threshold 0.5 < inconclusive < 0.7, PMID: 27666373). To our knowledge, functional studies have not been reported for this variant. This variant has not been reported in individuals affected with cardiovascular disorders in the literature. This variant has not been identified in the general population by the Genome Aggregation Database (gnomAD). The available evidence is insufficient to determine the role of this variant in disease conclusively. Therefore, this variant is classified as a Variant of Uncertain Significance.

NM_000257.4(MYH7):c.5283T>G (p.Asp1761Glu)

Genes: MYH7 (myosin heavy chain 7; minus strand), LOC126861897 (BRD4-independent group 4 enhancer GRCh37_chr14:23884455-23885654; plus strand). Cytogenetic location: 14q11.2.
Variant type: single nucleotide variant.
Coding change: c.5283T>G on transcript NM_000257.4 (MANE Select); coding-DNA position 5283, T replaced by G.
Protein change: p.Asp1761Glu; replaces aspartic acid 1761 with glutamic acid.
Molecular consequence: missense variant.
Genome position (GRCh38, 1-based): chr14:23,415,381, A>C on the plus strand (T>G on the coding strand, the complement: MYH7 is on the minus strand). VCF-style: chr14-23415381-A-C. GRCh37 (hg19) VCF-style: chr14-23884590-A-C.
Other names: short protein forms D1761E.
Identifiers: ClinVar variation 920037 (VCV000920037.3), dbSNP rs1892149011, ClinGen allele CA389036039.